The following is an entry in ClinVar:

NM_006206.6(PDGFRA):c.2455C>T (p.Leu819=)

Gene: PDGFRA (platelet derived growth factor receptor alpha; plus strand). Cytogenetic location: 4q12.
Variant type: single nucleotide variant.
Coding change: c.2455C>T on transcript NM_006206.6 (MANE Select); coding-DNA position 2455, C replaced by T.
Protein change: p.Leu819=; no amino-acid change (leucine 819 retained).
Molecular consequence: synonymous variant.
Genome position (GRCh38, 1-based): chr4:54,285,856, C>T. VCF-style: chr4-54285856-C-T. GRCh37 (hg19) VCF-style: chr4-55152023-C-T.
Other names: c.2530C>T, p.Leu844= (NM_001347828.2); c.2455C>T, p.Leu819= (NM_001347829.2); c.2494C>T, p.Leu832= (NM_001347830.2).
Identifiers: ClinVar variation 762197 (VCV000762197.14), dbSNP rs1577742193, ClinGen allele CA439287766.

ClinVar aggregate classification (germline): Benign/Likely benign. Review status: criteria provided, multiple submitters, no conflicts (2 of 4 stars). 3 submissions from 3 submitters: Benign (1); Likely benign (2). Last evaluated 2026-06-17.

Conditions:
Hereditary cancer-predisposing syndrome. Also called: Neoplastic Syndromes, Hereditary; Hereditary Cancer Syndrome; Hereditary neoplastic syndrome; Tumor predisposition. Identifiers: Orphanet 140162, MedGen C0027672, MeSH D009386, MONDO:0015356.
Gastrointestinal stromal tumor. Also called: Gastrointestinal stromal tumor, somatic; Gastrointestinal stroma tumor. Identifiers: Orphanet 44890, MedGen C0238198, MeSH D046152, MONDO:0011719, OMIM 606764, HP:0100723.
Polyps, multiple and recurrent inflammatory fibroid, gastrointestinal. Identifiers: MedGen C5193005, MONDO:0008285, OMIM 175510.

Allele frequency attached by ClinVar (database versions not stated): TOPMed below 0.00001; gnomAD exomes 0.00002.
gnomAD v4.1: 27 of 1,614,106 alleles (0.0017%); highest among the groups gnomAD compares: Non-Finnish European, 0.0023%; no homozygotes.

Submissions (3):

Myriad Genetics, Inc.
Classification: Benign for Polyps, multiple and recurrent inflammatory fibroid, gastrointestinal. Last evaluated: 2026-06-17. Review status: criteria provided, single submitter. Criteria: Myriad Autosomal Dominant, Autosomal Recessive and X-Linked Classification Criteria (2023). Collection method: clinical testing. Allele origin: unknown.
Comment: This variant is considered benign. This variant is a silent/synonymous amino acid change and it is not expected to impact splicing.

Labcorp Genetics (formerly Invitae), Labcorp
Classification: Likely benign for Gastrointestinal stromal tumor. Last evaluated: 2024-04-04. Review status: criteria provided, single submitter. Criteria: Invitae Variant Classification Sherloc (09022015). Collection method: clinical testing. Allele origin: germline.

Ambry Genetics
Classification: Likely benign for Hereditary cancer-predisposing syndrome. Last evaluated: 2022-06-20. Review status: criteria provided, single submitter. Criteria: Ambry Variant Classification Scheme 2023. Collection method: clinical testing. Allele origin: germline.